The following is an entry in ClinVar:

NM_000321.3(RB1):c.-149G>T

Gene: RB1 (RB transcriptional corepressor 1; plus strand). Cytogenetic location: 13q14.2.
Variant type: single nucleotide variant.
Coding change: c.-149G>T on transcript NM_000321.3 (MANE Select); 149 bases upstream of the start codon, G replaced by T.
Molecular consequence: 5 prime UTR variant.
Genome position (GRCh38, 1-based): chr13:48,303,764, G>T. VCF-style: chr13-48303764-G-T. GRCh37 (hg19) VCF-style: chr13-48877900-G-T.
Identifiers: ClinVar variation 997629 (VCV000997629.14), dbSNP rs1014776340, ClinGen allele CA249842006.

ClinVar aggregate classification (germline): Conflicting classifications of pathogenicity. Review status: criteria provided, conflicting classifications (1 of 4 stars). 7 submissions from 6 submitters: Likely pathogenic (1); Uncertain significance (5); Likely benign (1). Last evaluated 2026-01-09.

Conditions:
Malignant tumor of urinary bladder. Also called: Urinary Bladder Neoplasms; Bladder cancer; Urinary bladder cancer. Identifiers: MedGen C0005684, MONDO:0001187, OMIM 109800.
Retinoblastoma (RB1). Also called: RETINOBLASTOMA, SOMATIC. Identifiers: Orphanet 790, MedGen C0035335, MeSH D012175, MONDO:0008380, OMIM 180200, HP:0009919. Disease mechanism: loss of function. Inheritance: Both sporadic and heritable forms are tested..
Hereditary cancer-predisposing syndrome. Also called: Neoplastic Syndromes, Hereditary; Hereditary Cancer Syndrome; Tumor predisposition; Hereditary neoplastic syndrome. Identifiers: Orphanet 140162, MedGen C0027672, MeSH D009386, MONDO:0015356.

Allele frequency attached by ClinVar (database versions not stated): gnomAD 0.00001; TOPMed 0.00008; 1000 Genomes Project 30x 0.00016.
gnomAD v4.1: 10 of 1,248,776 alleles (0.0008%); highest among the groups gnomAD compares: Admixed American, 0.03%; no homozygotes.

Submissions (7):

Labcorp Genetics (formerly Invitae), Labcorp
Classification: Likely benign for Retinoblastoma. Last evaluated: 2026-01-09. Review status: criteria provided, single submitter. Criteria: Invitae Variant Classification Sherloc (09022015). Collection method: clinical testing. Allele origin: germline.

Baylor Genetics
Classification: Uncertain significance for Malignant tumor of urinary bladder. Last evaluated: 2024-02-14. Review status: criteria provided, single submitter. Criteria: ACMG Guidelines, 2015. Collection method: clinical testing. Allele origin: unknown.

Women's Health and Genetics/Laboratory Corporation of America, LabCorp
Classification: Uncertain significance. Last evaluated: 2023-01-11. Review status: criteria provided, single submitter. Criteria: LabCorp Variant Classification Summary - May 2015. Collection method: clinical testing. Allele origin: germline.
Comment: Variant summary: RB1 c.-149G>T is located in the untranslated mRNA region upstream of the initiation codon. The variant allele was found at a frequency of 1.3e-05 in 150942 control chromosomes (gnomAD v3.1.2). The available data on variant occurrences in the general population are insufficient to allow any conclusion about variant significance. c.-149G>T has been reported in the literature in an individual affected with Retinoblastoma (Macias_2008). This report does not provide unequivocal conclusions about association of the variant with Retinoblastoma. Experimental evidence demonstrated the variant significantly alters the UTR transcript structure (Kutchko_2015), however, does not allow convincing conclusions about the variant effect. Three ClinVar submitters (evaluation after 2014) cite the variant as uncertain significance. Based on the evidence outlined above, the variant was classified as uncertain significance.

GeneDx
Classification: Uncertain significance. Last evaluated: 2022-11-28. Review status: criteria provided, single submitter. Criteria: GeneDx Variant Classification Process June 2021. Collection method: clinical testing. Allele origin: germline. Affected: yes.
Comment: No data available from control populations to assess the frequency of this variant; Published functional studies demonstrate altered UTR transcript structure (Kutchko et al., 2015); This variant is associated with the following publications: (PMID: 20808897, 27569544, 18503160, 25999316)

Sema4
Classification: Uncertain significance for Hereditary cancer-predisposing syndrome. Last evaluated: 2022-02-05. Review status: criteria provided, single submitter. Criteria: Sema4 Curation Guidelines. Collection method: curation. Allele origin: germline.
Comment: The RB1 c.-149G>T variant has been reported in heterozygosity in at least two individuals with retinoblastoma (PMID: 18503160, 25999316). This variant is also called G18U in the literature. This variant is not reported in the population database Genome Aggregation Database (PMID: 32461654). The variant has been reported in ClinVar (Variation ID: 997629). The evidence is insufficient to meet ACMG/AMP criteria for classifying the variant as benign or pathogenic. Thus, the clinical significance of this variant is currently uncertain.

Baylor Genetics
Classification: Uncertain significance for Retinoblastoma. Last evaluated: 2020-08-27. Review status: criteria provided, single submitter. Criteria: ACMG Guidelines, 2015. Collection method: clinical testing. Allele origin: unknown. Affected: yes. Study: CSER-TexasKidsCanSeq.
Comment: This variant was determined to be of uncertain significance according to ACMG Guidelines, 2015 [PMID:25741868].

Department of Pathology and Laboratory Medicine, Sinai Health System
Classification: Likely pathogenic for retinoblastoma. Review status: criteria provided, single submitter. Criteria: ACMG Guidelines, 2015. Collection method: clinical testing. Allele origin: germline.

Literature cited by the submitters: PubMed 20808897 (cited by Women's Health and Genetics/Laboratory Corporation of America, LabCorp); PubMed 25999316 (cited by Women's Health and Genetics/Laboratory Corporation of America, LabCorp and Sema4); PubMed 18503160 (cited by Women's Health and Genetics/Laboratory Corporation of America, LabCorp and Sema4).